The following is an entry in ClinVar:

NM_001283009.2(RTEL1):c.2966G>C (p.Arg989Pro)

Genes: RTEL1 (regulator of telomere elongation helicase 1; plus strand), RTEL1-TNFRSF6B (RTEL1-TNFRSF6B readthrough (NMD candidate); plus strand). Cytogenetic location: 20q13.33.
Variant type: single nucleotide variant.
Coding change: c.2966G>C on transcript NM_001283009.2 (MANE Select); coding-DNA position 2966, G replaced by C.
Protein change: p.Arg989Pro; replaces arginine 989 with proline.
Molecular consequence: missense variant. On other transcripts: non-coding transcript variant (1).
Genome position (GRCh38, 1-based): chr20:63,693,257, G>C. VCF-style: chr20-63693257-G-C. GRCh37 (hg19) VCF-style: chr20-62324610-G-C.
Other names: c.2297G>C, p.Arg766Pro (NM_001283010.1); c.2966G>C, p.Arg989Pro (NM_016434.4); c.3038G>C, p.Arg1013Pro (NM_032957.5); short protein forms R989P, R1013P, R766P.
Identifiers: ClinVar variation 2930050 (VCV002930050.4), dbSNP rs200683292, ClinGen allele CA9965678.
Genomic context (GRCh38, chr20:63,693,257, plus strand): 5'-TCCAGCTGACAGGACGAGGCTGTGGCTATCGGCCTGAGCACAGCATTCCCCGAAGGCAGC[G>C]GGCACAGCCGGTCCTGGACCCCACTGGTAAATGGGGCCCCAGGTGGGACCCTCAGACTCC-3'
Protein context (NP_001269938.1, residues 979-999): RPEHSIPRRQ[Arg989Pro]AQPVLDPTGR

ClinVar aggregate classification (germline): Uncertain significance. Review status: criteria provided, multiple submitters, no conflicts (2 of 4 stars). 2 submissions from 2 submitters: Uncertain significance (2). Last evaluated 2025-05-30.

Conditions:
Pulmonary fibrosis and/or bone marrow failure, Telomere-related, 3. Also called: PULMONARY FIBROSIS AND/OR BONE MARROW FAILURE SYNDROME, TELOMERE-RELATED, 3. Identifiers: Orphanet 2032, MedGen C4225346, MONDO:0014613, OMIM 616373.
Dyskeratosis congenita, autosomal recessive 5 (DKCB5). Identifiers: MedGen C3554656, MONDO:0014076, OMIM 615190.
Inborn genetic diseases. Identifiers: MedGen C0950123, MeSH D030342.

Allele frequency attached by ClinVar (database versions not stated): 1000 Genomes Project 30x 0.00016; 1000 Genomes Project 0.00020.
gnomAD v4.1: 32 of 1,611,898 alleles (0.002%); highest among the groups gnomAD compares: African/African-American, 0.004%; no homozygotes.

Submissions (2):

Labcorp Genetics (formerly Invitae), Labcorp
Classification: Uncertain significance for Dyskeratosis congenita, autosomal recessive 5; Pulmonary fibrosis and/or bone marrow failure, Telomere-related, 3. Last evaluated: 2025-05-30. Review status: criteria provided, single submitter. Criteria: Invitae Variant Classification Sherloc (09022015). Collection method: clinical testing. Allele origin: germline.
Comment: This sequence change replaces arginine, which is basic and polar, with proline, which is neutral and non-polar, at codon 989 of the RTEL1 protein (p.Arg989Pro). This variant is present in population databases (rs200683292, gnomAD 0.008%). This variant has not been reported in the literature in individuals affected with RTEL1-related conditions. ClinVar contains an entry for this variant (Variation ID: 2930050). An algorithm developed to predict the effect of missense changes on protein structure and function (PolyPhen-2) suggests that this variant is likely to be disruptive. In summary, the available evidence is currently insufficient to determine the role of this variant in disease. Therefore, it has been classified as a Variant of Uncertain Significance.

Ambry Genetics
Classification: Uncertain significance for Inborn genetic diseases. Last evaluated: 2024-11-27. Review status: criteria provided, single submitter. Criteria: Ambry Variant Classification Scheme 2023. Collection method: clinical testing. Allele origin: germline.
Comment: The p.R989P variant (also known as c.2966G>C), located in coding exon 29 of the RTEL1 gene, results from a G to C substitution at nucleotide position 2966. The arginine at codon 989 is replaced by proline, an amino acid with dissimilar properties. This amino acid position is conserved. In addition, this alteration is predicted to be tolerated by in silico analysis. Based on the available evidence, the clinical significance of this variant remains unclear.